The following is an entry in ClinVar:

ClinVar aggregate classification (germline): Uncertain significance (1 of 4 stars; one submission).

Conditions:
Myopathy, proximal, and ophthalmoplegia (CMYO6). Also called: CONGENITAL MYOPATHY 6 WITH OPHTHALMOPLEGIA; MYOPATHY WITH CONGENITAL JOINT CONTRACTURES, OPHTHALMOPLEGIA, AND RIMMED VACUOLES; INCLUSION BODY MYOPATHY 3, AUTOSOMAL DOMINANT. Identifiers: Orphanet 363677, Orphanet 79091, MedGen C1854106, MONDO:0011577, OMIM 605637.

Submission:

Juno Genomics, Hangzhou Juno Genomics, Inc
Classification: Uncertain significance for Myopathy, proximal, and ophthalmoplegia. Review status: criteria provided, single submitter. Criteria: ACMG Guidelines, 2015. Collection method: clinical testing. Allele origin: germline.
Comment: Absent from controls (or at extremely low frequency if recessive) in Genome Aggregation Database.;Missense variant in a gene that has a low rate of benign missense variation.

NM_017534.6(MYH2):c.4136C>A (p.Thr1379Asn)

Genes: MYH2 (myosin heavy chain 2; minus strand), MYHAS (myosin heavy chain gene cluster antisense RNA; plus strand). Cytogenetic location: 17p13.1.
Variant type: single nucleotide variant.
Coding change: c.4136C>A on transcript NM_017534.6 (MANE Select); coding-DNA position 4136, C replaced by A.
Protein change: p.Thr1379Asn; replaces threonine 1379 with asparagine.
Molecular consequence: missense variant.
Genome position (GRCh38, 1-based): chr17:10,526,650, G>T on the plus strand (C>A on the coding strand, the complement: MYH2 is on the minus strand). VCF-style: chr17-10526650-G-T. GRCh37 (hg19) VCF-style: chr17-10429967-G-T.
Other names: c.4136C>A, p.Thr1379Asn (NM_001100112.2); short protein forms T1379N.
Identifiers: ClinVar variation 5005674 (VCV005005674.2).